The following is an entry in ClinVar:

ClinVar aggregate classification (germline): Uncertain significance (1 of 4 stars; one submission).

Conditions:
Cardiovascular phenotype. Identifiers: MedGen CN230736.

Allele frequency attached by ClinVar (database versions not stated): TOPMed below 0.00001; gnomAD 0.00001; gnomAD exomes 0.00001.
gnomAD v4.1: 11 of 1,207,199 alleles (0.00091%); highest among the groups gnomAD compares: Non-Finnish European, 0.0011%; no homozygotes.

Submission:

Ambry Genetics
Classification: Uncertain significance for Cardiovascular phenotype. Last evaluated: 2023-06-23. Review status: criteria provided, single submitter. Criteria: Ambry Variant Classification Scheme 2023. Collection method: clinical testing. Allele origin: germline.
Comment: The p.D9E variant (also known as c.27C>G), located in coding exon 1 of the DMD gene, results from a C to G substitution at nucleotide position 27. The aspartic acid at codon 9 is replaced by glutamic acid, an amino acid with highly similar properties. Based on data from gnomAD, the G allele has an overall frequency of 0.0006% (1/178264) total alleles studied, with no hemizygotes observed. The highest observed frequency was 0.001% (1/78540) of non-Finnish European alleles. This amino acid position is well conserved in available vertebrate species; however, glutamic acid is the reference amino acid in other vertebrate species. In addition, the in silico prediction for this alteration is inconclusive. Since supporting evidence is limited at this time, the clinical significance of this alteration remains unclear.

NM_004006.3(DMD):c.27C>G (p.Asp9Glu)

Gene: DMD (dystrophin; minus strand). Cytogenetic location: Xp21.1.
Variant type: single nucleotide variant.
Coding change: c.27C>G on transcript NM_004006.3 (MANE Select); coding-DNA position 27, C replaced by G.
Protein change: p.Asp9Glu; replaces aspartic acid 9 with glutamic acid.
Molecular consequence: missense variant. On other transcripts: intron variant (1).
Genome position (GRCh38, 1-based): chrX:33,211,286, G>C on the plus strand (C>G on the coding strand, the complement: DMD is on the minus strand). VCF-style: chrX-33211286-G-C. GRCh37 (hg19) VCF-style: chrX-33229403-G-C.
Other names: c.7+127973C>G (NM_000109.4); short protein forms D9E.
Identifiers: ClinVar variation 1796166 (VCV001796166.3), dbSNP rs1470154494, ClinGen allele CA412675109.